The following is an entry in ClinVar:

NM_020937.4(FANCM):c.5156G>T (p.Arg1719Leu)

Gene: FANCM (FA complementation group M; plus strand). Cytogenetic location: 14q21.2.
Variant type: single nucleotide variant.
Coding change: c.5156G>T on transcript NM_020937.4 (MANE Select); coding-DNA position 5156, G replaced by T.
Protein change: p.Arg1719Leu; replaces arginine 1719 with leucine.
Molecular consequence: missense variant.
Genome position (GRCh38, 1-based): chr14:45,189,178, G>T. VCF-style: chr14-45189178-G-T. GRCh37 (hg19) VCF-style: chr14-45658381-G-T.
Other names: c.5078G>T, p.Arg1693Leu (NM_001308133.2); c.5156G>T (NM_020937.2); short protein forms R1693L, R1719L.
Identifiers: ClinVar variation 1417169 (VCV001417169.7), dbSNP rs760421586, ClinGen allele CA7169919.

ClinVar aggregate classification (germline): Uncertain significance. Review status: criteria provided, multiple submitters, no conflicts (2 of 4 stars). 2 submissions from 2 submitters: Uncertain significance (2). Last evaluated 2024-11-21.

Conditions:
Inborn genetic diseases. Identifiers: MedGen C0950123, MeSH D030342.
Fanconi anemia (FA). Also called: Fanconi's anemia. Identifiers: Orphanet 84, MedGen C0015625, MeSH D005199, MONDO:0019391.

gnomAD v4.1: 4 of 1,614,140 alleles (0.00025%); highest among the groups gnomAD compares: Non-Finnish European, 0.00034%; no homozygotes.

Submissions (2):

Ambry Genetics
Classification: Uncertain significance for Inborn genetic diseases. Last evaluated: 2024-11-21. Review status: criteria provided, single submitter. Criteria: Ambry Variant Classification Scheme 2023. Collection method: clinical testing. Allele origin: germline.
Comment: The p.R1719L variant (also known as c.5156G>T), located in coding exon 20 of the FANCM gene, results from a G to T substitution at nucleotide position 5156. The arginine at codon 1719 is replaced by leucine, an amino acid with dissimilar properties. This amino acid position is conserved. In addition, this alteration is predicted to be tolerated by in silico analysis. Based on the available evidence, the clinical significance of this variant remains unclear.

Labcorp Genetics (formerly Invitae), Labcorp
Classification: Uncertain significance for Fanconi anemia. Last evaluated: 2021-10-29. Review status: criteria provided, single submitter. Criteria: Invitae Variant Classification Sherloc (09022015). Collection method: clinical testing. Allele origin: germline.
Comment: In summary, the available evidence is currently insufficient to determine the role of this variant in disease. Therefore, it has been classified as a Variant of Uncertain Significance. Algorithms developed to predict the effect of missense changes on protein structure and function output the following: SIFT: "Tolerated"; PolyPhen-2: "Benign"; Align-GVGD: "Class C0". The leucine amino acid residue is found in multiple mammalian species, which suggests that this missense change does not adversely affect protein function. This variant has not been reported in the literature in individuals affected with FANCM-related conditions. This variant is present in population databases (rs760421586, gnomAD 0.003%). This sequence change replaces arginine, which is basic and polar, with leucine, which is neutral and non-polar, at codon 1719 of the FANCM protein (p.Arg1719Leu).